The following is an entry in ClinVar:

ClinVar aggregate classification (germline): Uncertain significance (1 of 4 stars; one submission).

Conditions:
Dyskeratosis congenita, autosomal dominant 2. Identifiers: MedGen C3151443, MONDO:0013521, OMIM 613989.
Idiopathic Pulmonary Fibrosis. Also called: Idiopathic fibrosing alveolitis, chronic form; idiopathic fibrosing alveolitis. Identifiers: Orphanet 2032, MedGen C1800706, MeSH D054990, MONDO:0800504.

Allele frequency attached by ClinVar (database versions not stated): gnomAD exomes below 0.00001.
gnomAD v4.1: 1 of 1,582,452 alleles (0.000063%); highest among the groups gnomAD compares: Non-Finnish European, 0.000085%; no homozygotes.

Submission:

Labcorp Genetics (formerly Invitae), Labcorp
Classification: Uncertain significance for Dyskeratosis congenita, autosomal dominant 2; Idiopathic Pulmonary Fibrosis. Last evaluated: 2021-08-27. Review status: criteria provided, single submitter. Criteria: Invitae Variant Classification Sherloc (09022015). Collection method: clinical testing. Allele origin: germline.
Comment: This sequence change replaces proline with serine at codon 186 of the TERT protein (p.Pro186Ser). The proline residue is weakly conserved and there is a moderate physicochemical difference between proline and serine. This variant is not present in population databases (ExAC no frequency). This variant has not been reported in the literature in individuals affected with TERT-related conditions. Advanced modeling of protein sequence and biophysical properties (such as structural, functional, and spatial information, amino acid conservation, physicochemical variation, residue mobility, and thermodynamic stability) performed at Invitae indicates that this missense variant is not expected to disrupt TERT protein function. In summary, the available evidence is currently insufficient to determine the role of this variant in disease. Therefore, it has been classified as a Variant of Uncertain Significance.

NM_198253.3(TERT):c.556C>T (p.Pro186Ser)

Gene: TERT (telomerase reverse transcriptase; minus strand). Cytogenetic location: 5p15.33.
Variant type: single nucleotide variant.
Coding change: c.556C>T on transcript NM_198253.3 (MANE Select); coding-DNA position 556, C replaced by T.
Protein change: p.Pro186Ser; replaces proline 186 with serine.
Molecular consequence: missense variant. On other transcripts: non-coding transcript variant (2).
Genome position (GRCh38, 1-based): chr5:1,294,330, G>A on the plus strand (C>T on the coding strand, the complement: TERT is on the minus strand). VCF-style: chr5-1294330-G-A. GRCh37 (hg19) VCF-style: chr5-1294445-G-A.
Other names: c.556C>T, p.Pro186Ser (NM_001193376.3); short protein forms P186S.
Identifiers: ClinVar variation 1412400 (VCV001412400.5), dbSNP rs2126689257, ClinGen allele CA359057527.
Genomic context (GRCh38, chr5:1,294,330, plus strand): 5'-TATGGTTCCAGGCCCGTTCGCATCCCAGACGCCTTCGGGGTCCACTAGCGTGTGGCGGGG[G>A]CCGGGCCTGAGTGGCAGCGCCGAGCTGGTACAGCGGCGGCCCGCACACCTGGTAGGCGCA-3'
Protein context (NP_937983.2, residues 176-196): YQLGAATQAR[Pro186Ser]PPHASGPRRR